The following is an entry in ClinVar:

NM_020975.6(RET):c.2137-251A>G

Gene: RET (ret proto-oncogene; plus strand). Cytogenetic location: 10q11.21.
Variant type: single nucleotide variant.
Coding change: c.2137-251A>G on transcript NM_020975.6 (MANE Select); 251 bases into the intron before coding-DNA position 2137, A replaced by G.
Molecular consequence: intron variant.
Genome position (GRCh38, 1-based): chr10:43,116,333, A>G. VCF-style: chr10-43116333-A-G. GRCh37 (hg19) VCF-style: chr10-43611781-A-G.
Other names: c.2137-251A>G (NM_020630.7, NM_001406743.1, NM_001406744.1 and 2 more transcripts); c.2002-251A>G (NM_001406765.1, NM_001406763.1); c.1741-251A>G (NM_001406772.1, NM_001406769.1); c.1699-251A>G (NM_001406773.1, NM_001406771.1); c.1240-251A>G (NM_001406782.1, NM_001406780.1, NM_001406779.1 and 1 more transcripts); c.1105-251A>G (NM_001406787.1); c.1120-251A>G (NM_001406785.1); c.2008-251A>G (NM_001406764.1, NM_001406762.1, NM_001406761.1); and 10 more.
Identifiers: ClinVar variation 2498460 (VCV002498460.28), dbSNP rs991923171, ClinGen allele CA206263584.

ClinVar aggregate classification (germline): Likely benign (1 of 4 stars; one submission).

Allele frequency attached by ClinVar (database versions not stated): gnomAD 0.00034; TOPMed 0.00042.
gnomAD v4.1: 52 of 152,230 alleles (0.034%); highest among the groups gnomAD compares: Admixed American, 0.14%; no homozygotes.

Submission:

CeGaT Center for Human Genetics Tuebingen
Classification: Likely benign. Last evaluated: 2023-03-01. Review status: criteria provided, single submitter. Criteria: CeGaT Center For Human Genetics Tuebingen Variant Classification Criteria Version 2. Collection method: clinical testing. Allele origin: germline. Affected: yes. Observed: 2 variant alleles.
Comment: RET: BS1